The following is an entry in ClinVar:

ClinVar aggregate classification (germline): Uncertain significance (1 of 4 stars; one submission).

Allele frequency attached by ClinVar (database versions not stated): TOPMed below 0.00001; gnomAD 0.00001; gnomAD exomes 0.00001.
gnomAD v4.1: 10 of 1,562,002 alleles (0.00064%); highest among the groups gnomAD compares: Non-Finnish European, 0.00087%; no homozygotes.

Submission:

Labcorp Genetics (formerly Invitae), Labcorp
Classification: Uncertain significance. Last evaluated: 2022-04-22. Review status: criteria provided, single submitter. Criteria: Invitae Variant Classification Sherloc (09022015). Collection method: clinical testing. Allele origin: germline.
Comment: In summary, the available evidence is currently insufficient to determine the role of this variant in disease. Therefore, it has been classified as a Variant of Uncertain Significance. Algorithms developed to predict the effect of missense changes on protein structure and function are either unavailable or do not agree on the potential impact of this missense change (SIFT: "Deleterious"; PolyPhen-2: "Probably Damaging"; Align-GVGD: "Class C0"). This variant has not been reported in the literature in individuals affected with MKL1-related conditions. This variant is present in population databases (no rsID available, gnomAD 0.001%). This sequence change replaces serine, which is neutral and polar, with asparagine, which is neutral and polar, at codon 820 of the MKL1 protein (p.Ser820Asn).

NM_020831.6(MRTFA):c.2759G>A (p.Ser920Asn)

Gene: MRTFA (myocardin related transcription factor A; minus strand). Cytogenetic location: 22q13.1.
Variant type: single nucleotide variant.
Coding change: c.2759G>A on transcript NM_020831.6 (MANE Select); coding-DNA position 2759, G replaced by A.
Protein change: p.Ser920Asn; replaces serine 920 with asparagine.
Molecular consequence: missense variant. On other transcripts: 3 prime UTR variant (1).
Genome position (GRCh38, 1-based): chr22:40,411,727, C>T on the plus strand (G>A on the coding strand, the complement: MRTFA is on the minus strand). VCF-style: chr22-40411727-C-T. GRCh37 (hg19) VCF-style: chr22-40807731-C-T.
Other names: c.2459G>A, p.Ser820Asn (NM_001282660.2); c.2609G>A, p.Ser870Asn (NM_001282661.3); c.*72G>A (NM_001282662.3); c.2564G>A, p.Ser855Asn (NM_001318139.2); short protein forms S820N, S855N, S870N, S920N.
Identifiers: ClinVar variation 2419097 (VCV002419097.6), dbSNP rs1312569808, ClinGen allele CA411653640.